The following is an entry in ClinVar:

ClinVar aggregate classification (germline): Uncertain significance. Review status: criteria provided, multiple submitters, no conflicts (2 of 4 stars). 3 submissions from 3 submitters: Uncertain significance (3). Last evaluated 2024-09-24.

Conditions:
Hereditary cancer-predisposing syndrome. Also called: Tumor predisposition; Neoplastic Syndromes, Hereditary; Hereditary neoplastic syndrome; Hereditary Cancer Syndrome. Identifiers: Orphanet 140162, MedGen C0027672, MeSH D009386, MONDO:0015356.

Submissions (3):

Color Diagnostics, LLC DBA Color Health
Classification: Uncertain significance for Hereditary cancer-predisposing syndrome. Last evaluated: 2024-09-24. Review status: criteria provided, single submitter. Criteria: ACMG Guidelines, 2015. Collection method: clinical testing. Allele origin: germline.
Comment: This missense variant replaces valine with methionine at codon 698 of the PMS2 protein. Computational prediction is inconclusive regarding the impact of this variant on protein structure and function. To our knowledge, functional studies have not been reported for this variant. This variant has not been reported in individuals affected with PMS2-related disorders in the literature. This variant has not been identified in the general population by the Genome Aggregation Database (gnomAD). The available evidence is insufficient to determine the role of this variant in disease conclusively. Therefore, this variant is classified as a Variant of Uncertain Significance.

Ambry Genetics
Classification: Uncertain significance for Hereditary cancer-predisposing syndrome. Last evaluated: 2024-07-01. Review status: criteria provided, single submitter. Criteria: Ambry Variant Classification Scheme 2023. Collection method: clinical testing. Allele origin: germline.
Comment: The p.V698M variant (also known as c.2092G>A), located in coding exon 12 of the PMS2 gene, results from a G to A substitution at nucleotide position 2092. The valine at codon 698 is replaced by methionine, an amino acid with highly similar properties. This amino acid position is conserved. In addition, the in silico prediction for this alteration is inconclusive. Since supporting evidence is limited at this time, the clinical significance of this alteration remains unclear.

Women's Health and Genetics/Laboratory Corporation of America, LabCorp
Classification: Uncertain significance. Last evaluated: 2016-11-04. Review status: criteria provided, single submitter. Criteria: LabCorp Variant Classification Summary - May 2015. Collection method: clinical testing. Allele origin: germline.
Comment: Variant summary: The PMS2 c.2092G>A (p.Val698Met) variant causes a missense change involving a conserved nucleotide with 2/3 in silico tools (SNPs&GO and Mutation Taster not captured here due to low reliability index and p-value, respectively) predict a "damaging" outcome, although these predictions have yet to be functionally assessed. The variant of interest was not observed in controls (ExAC, 1000 Gs, or ESP), and has not been reported, to our knowledge, in affected individuals via publications and/or reputable databases/clinical diagnostic laboratories. Therefore, until additional information becomes available (ie, clinical and functional studies), the variant of interest has been classified as a "Variant of Uncertain Significance (VUS)."

NM_000535.7(PMS2):c.2092G>A (p.Val698Met)

Gene: PMS2 (PMS1 homolog 2, mismatch repair system component; minus strand). Cytogenetic location: 7p22.1.
Variant type: single nucleotide variant.
Coding change: c.2092G>A on transcript NM_000535.7 (MANE Select); coding-DNA position 2092, G replaced by A.
Protein change: p.Val698Met; replaces valine 698 with methionine.
Molecular consequence: missense variant. On other transcripts: non-coding transcript variant (1).
Genome position (GRCh38, 1-based): chr7:5,982,906, C>T on the plus strand (G>A on the coding strand, the complement: PMS2 is on the minus strand). VCF-style: chr7-5982906-C-T. GRCh37 (hg19) VCF-style: chr7-6022537-C-T.
Other names: c.1687G>A, p.Val563Met (NM_001322003.2, NM_001322004.2, NM_001322005.2 and 1 more transcripts); c.1936G>A, p.Val646Met (NM_001322006.2); c.1774G>A, p.Val592Met (NM_001322007.2, NM_001322008.2); c.1531G>A, p.Val511Met (NM_001322010.2); c.1159G>A, p.Val387Met (NM_001322011.2, NM_001322012.2); c.1519G>A, p.Val507Met (NM_001322013.2); c.2092G>A, p.Val698Met (NM_001322014.2); c.1783G>A, p.Val595Met (NM_001322015.2); short protein forms V698M, V592M, V646M, V387M, V507M, V563M, V595M, V511M.
Identifiers: ClinVar variation 496035 (VCV000496035.6), dbSNP rs751551006, ClinGen allele CA366738013.
Genomic context (GRCh38, chr7:5,982,906, plus strand): 5'-GCACGGTGTGCTGCTGCAGCATCTCGAAGTTATACTTCTCGTCCGTGGCATGCTGGTCCA[C>T]TATGAAGATATCCTCATTCAGTTTGGTTATTATAAATCCCAGGTTAAACTGACCAATGAT-3'
Protein context (NP_000526.2, residues 688-708): ITKLNEDIFI[Val698Met]DQHATDEKYN